The following is an entry in ClinVar:

NM_000146.4(FTL):c.100C>A (p.Leu34Met)

Gene: FTL (ferritin light chain; plus strand). Cytogenetic location: 19q13.33.
Variant type: single nucleotide variant.
Coding change: c.100C>A on transcript NM_000146.4 (MANE Select); coding-DNA position 100, C replaced by A.
Protein change: p.Leu34Met; replaces leucine 34 with methionine.
Molecular consequence: missense variant.
Genome position (GRCh38, 1-based): chr19:48,965,607, C>A. VCF-style: chr19-48965607-C-A. GRCh37 (hg19) VCF-style: chr19-49468864-C-A.
Other names: short protein forms L34M.
Identifiers: ClinVar variation 4785857 (VCV004785857.1).

ClinVar aggregate classification (germline): Uncertain significance (1 of 4 stars; one submission).

Conditions:
Hereditary hyperferritinemia with congenital cataracts. Also called: Hereditary hyperferritinemia cataract syndrome; Bonneau-Beaumont syndrome; HYPERFERRITINEMIA WITH OR WITHOUT CATARACT. Identifiers: Orphanet 163, MedGen C1833213, MONDO:0010952, OMIM 600886.
Neuroferritinopathy (NBIA3). Also called: NEURODEGENERATION WITH BRAIN IRON ACCUMULATION 3; BASAL GANGLIA DISEASE, ADULT-ONSET. Identifiers: Orphanet 157846, MedGen C1853578, MONDO:0011638, OMIM 606159.

Submission:

Labcorp Genetics (formerly Invitae), Labcorp
Classification: Uncertain significance for Neuroferritinopathy; Hereditary hyperferritinemia with congenital cataracts. Last evaluated: 2025-08-18. Review status: criteria provided, single submitter. Criteria: Invitae Variant Classification Sherloc (09022015). Collection method: clinical testing. Allele origin: germline.
Comment: This sequence change replaces leucine, which is neutral and non-polar, with methionine, which is neutral and non-polar, at codon 34 of the FTL protein (p.Leu34Met). This variant is not present in population databases (gnomAD no frequency). This variant has not been reported in the literature in individuals affected with FTL-related conditions. An algorithm developed to predict the effect of missense changes on protein structure and function (PolyPhen-2) suggests that this variant is likely to be disruptive. In summary, the available evidence is currently insufficient to determine the role of this variant in disease. Therefore, it has been classified as a Variant of Uncertain Significance.